The following is an entry in ClinVar:

ClinVar aggregate classification (germline): Uncertain significance (1 of 4 stars; one submission).

Conditions:
Congenital muscular hypertrophy-cerebral syndrome (CDLS2). Also called: Cornelia de Lange syndrome 2; SMC1A-Related Cornelia de Lange Syndrome. Identifiers: Orphanet 199, MedGen C1802395, MONDO:0010370, OMIM 300590.

Submission:

Labcorp Genetics (formerly Invitae), Labcorp
Classification: Uncertain significance for Congenital muscular hypertrophy-cerebral syndrome. Last evaluated: 2022-09-23. Review status: criteria provided, single submitter. Criteria: Invitae Variant Classification Sherloc (09022015). Collection method: clinical testing. Allele origin: germline.
Comment: This sequence change replaces lysine, which is basic and polar, with glutamic acid, which is acidic and polar, at codon 324 of the SMC1A protein (p.Lys324Glu). In summary, the available evidence is currently insufficient to determine the role of this variant in disease. Therefore, it has been classified as a Variant of Uncertain Significance. Advanced modeling of protein sequence and biophysical properties (such as structural, functional, and spatial information, amino acid conservation, physicochemical variation, residue mobility, and thermodynamic stability) performed at Invitae indicates that this missense variant is not expected to disrupt SMC1A protein function. This variant has not been reported in the literature in individuals affected with SMC1A-related conditions. This variant is not present in population databases (gnomAD no frequency).

NM_006306.4(SMC1A):c.970A>G (p.Lys324Glu)

Gene: SMC1A (structural maintenance of chromosomes 1A; minus strand). Cytogenetic location: Xp11.22.
Variant type: single nucleotide variant.
Coding change: c.970A>G on transcript NM_006306.4 (MANE Select); coding-DNA position 970, A replaced by G.
Protein change: p.Lys324Glu; replaces lysine 324 with glutamic acid.
Molecular consequence: missense variant.
Genome position (GRCh38, 1-based): chrX:53,412,138, T>C on the plus strand (A>G on the coding strand, the complement: SMC1A is on the minus strand). VCF-style: chrX-53412138-T-C. GRCh37 (hg19) VCF-style: chrX-53439088-T-C.
Other names: c.904A>G, p.Lys302Glu (NM_001281463.1); short protein forms K302E, K324E.
Identifiers: ClinVar variation 1716137 (VCV001716137.5), dbSNP rs2520957778, ClinGen allele CA413257657.